The following is an entry in ClinVar:

ClinVar aggregate classification (germline): Pathogenic (1 of 4 stars; one submission).

Conditions:
Spastic paraplegia. Identifiers: MedGen C0037772, HP:0001258.

Submission:

Labcorp Genetics (formerly Invitae), Labcorp
Classification: Pathogenic for Spastic paraplegia. Last evaluated: 2023-04-02. Review status: criteria provided, single submitter. Criteria: Invitae Variant Classification Sherloc (09022015). Collection method: clinical testing. Allele origin: germline.
Comment: For these reasons, this variant has been classified as Pathogenic. This variant has not been reported in the literature in individuals affected with SACS-related conditions. This sequence change creates a premature translational stop signal (p.Cys20Leufs*41) in the SACS gene. It is expected to result in an absent or disrupted protein product. Loss-of-function variants in SACS are known to be pathogenic (PMID: 18465152, 20876471). This variant is not present in population databases (gnomAD no frequency).

Literature cited by the submitters: PubMed 18465152; PubMed 20876471.

NM_014363.6(SACS):c.53dup (p.Cys20fs)

Genes: SACS (sacsin molecular chaperone; minus strand), LOC130009366 (ATAC-STARR-seq lymphoblastoid silent region 5172; plus strand). Cytogenetic location: 13q12.12.
Variant type: Duplication.
Coding change: c.53dup on transcript NM_014363.6 (MANE Select); coding-DNA position 53, one base duplicated (T; older notation c.53dupT).
Protein change: p.Cys20fs; shifts the reading frame from cysteine 20.
Molecular consequence: frameshift variant. On other transcripts: 5 prime UTR variant (1).
Genome position (GRCh38, 1-based): chr13:23,375,237, A duplicated on the plus strand (T on the coding strand, the reverse complement: SACS is on the minus strand). VCF-style (leftmost placement, unchanged base first): chr13-23375236-C-CA. GRCh37 (hg19) VCF-style: chr13-23949375-C-CA.
Other names: c.-301dup (NM_001278055.2); short protein forms C20fs.
Identifiers: ClinVar variation 2851525 (VCV002851525.3), dbSNP rs2542504851, ClinGen allele CA2739277488.